The following is an entry in ClinVar:

ClinVar aggregate classification (germline): Likely benign (1 of 4 stars; one submission).

Allele frequency attached by ClinVar (database versions not stated): gnomAD 0.00002.

Submission:

CeGaT Center for Human Genetics Tuebingen
Classification: Likely benign. Last evaluated: 2026-06-01. Review status: criteria provided, single submitter. Criteria: CeGaT Center For Human Genetics Tuebingen Variant Classification Criteria Version 2. Collection method: clinical testing. Allele origin: germline. Affected: yes. Observed: 2 variant alleles.
Comment: ACAN: BP4, BP7

NM_001369268.1(ACAN):c.4206T>C (p.Thr1402=)

Gene: ACAN (aggrecan; plus strand). Cytogenetic location: 15q26.1.
Variant type: single nucleotide variant.
Coding change: c.4206T>C on transcript NM_001369268.1 (MANE Select); coding-DNA position 4206, T replaced by C.
Protein change: p.Thr1402=; no amino-acid change (threonine 1402 retained).
Molecular consequence: synonymous variant.
Genome position (GRCh38, 1-based): chr15:88,856,791, T>C. VCF-style: chr15-88856791-T-C. GRCh37 (hg19) VCF-style: chr15-89400022-T-C.
Other names: c.4206T>C, p.Thr1402= (NM_001135.4, NM_001411096.1, NM_001411097.1 and 1 more transcripts).
Identifiers: ClinVar variation 2645675 (VCV002645675.24), dbSNP rs1467040361, ClinGen allele CA492286140.